The following is an entry in ClinVar:

NM_005060.4(RORC):c.811G>T (p.Glu271Ter)

Gene: RORC (RAR related orphan receptor C; minus strand). Cytogenetic location: 1q21.3.
Variant type: single nucleotide variant.
Coding change: c.811G>T on transcript NM_005060.4 (MANE Select); coding-DNA position 811, G replaced by T.
Protein change: p.Glu271Ter; replaces glutamic acid 271 with a stop codon.
Molecular consequence: nonsense.
Genome position (GRCh38, 1-based): chr1:151,814,913, C>A on the plus strand (G>T on the coding strand, the complement: RORC is on the minus strand). VCF-style: chr1-151814913-C-A. GRCh37 (hg19) VCF-style: chr1-151787389-C-A.
Other names: c.748G>T, p.Glu250Ter (NM_001001523.2); short protein forms E271*, E250*.
Identifiers: ClinVar variation 4734088 (VCV004734088.1).
Genomic context (GRCh38, chr1:151,814,913, plus strand): 5'-GGTACTGGTGGAAACCCCTCCCTCATCTCTACCACCCTCTCCACCTCCCCAGCTGCTCAC[C>A]TATCTCTGTCAGGGAGGCATAGGGTGCCTCCGGTGTGCTGCGGAAACTGGGGCTGCCGTA-3'

ClinVar aggregate classification (germline): Pathogenic (1 of 4 stars; one submission).

Conditions:
Autosomal recessive mendelian susceptibility to mycobacterial diseases due to complete RORgamma receptor deficiency. Also called: Immunodeficiency 42. Identifiers: Orphanet 477857, MedGen C5567647, MONDO:0014710, OMIM 616622.

Submission:

Labcorp Genetics (formerly Invitae), Labcorp
Classification: Pathogenic for Autosomal recessive mendelian susceptibility to mycobacterial diseases due to complete RORgamma receptor deficiency. Last evaluated: 2026-01-02. Review status: criteria provided, single submitter. Criteria: Invitae Variant Classification Sherloc (09022015). Collection method: clinical testing. Allele origin: germline.
Comment: This sequence change creates a premature translational stop signal (p.Glu271*) in the RORC gene. It is expected to result in an absent or disrupted protein product. Loss-of-function variants in RORC are known to be pathogenic (PMID: 26160376). This variant is not present in population databases (gnomAD no frequency). This variant has not been reported in the literature in individuals affected with RORC-related conditions. Algorithms developed to predict the effect of sequence changes on RNA splicing suggest that this variant may disrupt the consensus splice site. For these reasons, this variant has been classified as Pathogenic.

Literature cited by the submitters: PubMed 26160376.